The following is an entry in ClinVar:

NM_001447.3(FAT2):c.2134C>T (p.Pro712Ser)

Gene: FAT2 (FAT atypical cadherin 2; minus strand). Cytogenetic location: 5q33.1.
Variant type: single nucleotide variant.
Coding change: c.2134C>T on transcript NM_001447.3 (MANE Select); coding-DNA position 2134, C replaced by T.
Protein change: p.Pro712Ser; replaces proline 712 with serine.
Molecular consequence: missense variant.
Genome position (GRCh38, 1-based): chr5:151,566,798, G>A on the plus strand (C>T on the coding strand, the complement: FAT2 is on the minus strand). VCF-style: chr5-151566798-G-A. GRCh37 (hg19) VCF-style: chr5-150946359-G-A.
Other names: short protein forms P712S.
Identifiers: ClinVar variation 2054853 (VCV002054853.4), dbSNP rs574532520, ClinGen allele CA3522132.

ClinVar aggregate classification (germline): Uncertain significance (1 of 4 stars; one submission).

Allele frequency attached by ClinVar (database versions not stated): gnomAD exomes below 0.00001; ExAC 0.00001; TOPMed 0.00002; gnomAD 0.00003; 1000 Genomes Project 30x 0.00031; 1000 Genomes Project 0.00040.
gnomAD v4.1: 11 of 1,614,178 alleles (0.00068%); highest among the groups gnomAD compares: East Asian, 0.016%; no homozygotes.

Submission:

Labcorp Genetics (formerly Invitae), Labcorp
Classification: Uncertain significance. Last evaluated: 2022-05-12. Review status: criteria provided, single submitter. Criteria: Invitae Variant Classification Sherloc (09022015). Collection method: clinical testing. Allele origin: germline.
Comment: In summary, the available evidence is currently insufficient to determine the role of this variant in disease. Therefore, it has been classified as a Variant of Uncertain Significance. Algorithms developed to predict the effect of missense changes on protein structure and function (SIFT, PolyPhen-2, Align-GVGD) all suggest that this variant is likely to be disruptive. This variant has not been reported in the literature in individuals affected with FAT2-related conditions. This variant is present in population databases (rs574532520, gnomAD 0.007%). This sequence change replaces proline, which is neutral and non-polar, with serine, which is neutral and polar, at codon 712 of the FAT2 protein (p.Pro712Ser).